The following is an entry in ClinVar:

NM_001034853.2(RPGR):c.3009_3026del (p.1001EEGEGE[1])

Gene: RPGR (retinitis pigmentosa GTPase regulator; minus strand). Cytogenetic location: Xp11.4.
Variant type: Deletion.
Coding change: c.3009_3026del on transcript NM_001034853.2 (MANE Select); coding-DNA positions 3009 to 3026, 18 bases deleted (AGAGGGAGAGGAAGAAGG).
Protein change: p.1001EEGEGE[1].
Molecular consequence: intron variant (on NM_001367249.1).
Genome position (GRCh38, 1-based): chrX:38,285,973-38,285,990, CCTTCTTCCTCTCCCTCT deleted on the plus strand (AGAGGGAGAGGAAGAAGG on the coding strand, the reverse complement: RPGR is on the minus strand); deleting any 18 consecutive bases within chrX:38,285,973-38,286,001 gives the same sequence; the c. name uses the placement nearest the transcript's 3' end. VCF-style (leftmost placement, unchanged base first): chrX-38285972-CCCTTCTTCCTCTCCCTCT-C. GRCh37 (hg19) VCF-style: chrX-38145225-CCCTTCTTCCTCTCCCTCT-C.
Other names: c.1569+4969_1569+4986del (NM_001367249.1, NM_001367250.1); c.1902+1104_1902+1121del (NM_001367245.1); c.1386+4969_1386+4986del (NM_001367251.1); c.1719+1104_1719+1121del (NM_001367246.1); c.1572+4969_1572+4986del (NM_001367247.1); c.1905+1104_1905+1121del (NM_000328.3); c.1602+4969_1602+4986del (NM_001367248.1).
Identifiers: ClinVar variation 3671520 (VCV003671520.2).
Genomic context (GRCh38, chrX:38,285,972, plus strand): 5'-TTCCTCCCCTTCCACCTCCCCTTCCACTTCCCCTTCCTCTTCTTCCTCCCCTTCTCCCTC[CCCTTCTTCCTCTCCCTCT>C]CCTTCTTCCTCCCCTTCTTCTTCCCCTTCCTCCTCTTCCCCCTCCCCTTCTCCTTCCTCC-3'

ClinVar aggregate classification (germline): Uncertain significance (1 of 4 stars; one submission).

Conditions:
Primary ciliary dyskinesia. Also called: Ciliary dyskinesia. Identifiers: Orphanet 244, MedGen C0008780, MONDO:0016575, HP:0012265.

Submission:

Labcorp Genetics (formerly Invitae), Labcorp
Classification: Uncertain significance for Primary ciliary dyskinesia. Last evaluated: 2024-06-26. Review status: criteria provided, single submitter. Criteria: Invitae Variant Classification Sherloc (09022015). Collection method: clinical testing. Allele origin: germline.
Comment: This variant, c.3009_3026del, results in the deletion of 6 amino acid(s) of the RPGR (ORF15) protein (p.Glu1007_Glu1012del), but otherwise preserves the integrity of the reading frame. This variant is not present in population databases (gnomAD no frequency). This variant has not been reported in the literature in individuals affected with RPGR (ORF15)-related conditions. Experimental studies and prediction algorithms are not available or were not evaluated, and the functional significance of this variant is currently unknown. In summary, the available evidence is currently insufficient to determine the role of this variant in disease. Therefore, it has been classified as a Variant of Uncertain Significance.